The following is an entry in ClinVar:

NM_213653.4(HJV):c.520dup (p.His174fs)

Gene: HJV (hemojuvelin BMP co-receptor; minus strand). Cytogenetic location: 1q21.1.
Variant type: Duplication.
Coding change: c.520dup on transcript NM_213653.4 (MANE Select); coding-DNA position 520, one base duplicated (C; older notation c.520dupC).
Protein change: p.His174fs; shifts the reading frame from histidine 174.
Molecular consequence: frameshift variant. On other transcripts: intron variant (3).
Genome position (GRCh38, 1-based): chr1:146,019,312, G duplicated on the plus strand (C on the coding strand, the reverse complement: HJV is on the minus strand); the first of 5 consecutive G bases (chr1:146,019,312-146,019,316); duplicating any one gives the same sequence. VCF-style (leftmost placement, unchanged base first): chr1-146019311-T-TG. GRCh37 (hg19) VCF-style: chr1-145415696-A-AC.
Other names: c.-21-612dup (NM_213652.4); c.-22+386dup (NM_202004.4, NM_001316767.2); c.520dup, p.His174fs (NM_001379352.1); c.181dup, p.His61fs (NM_145277.5); short protein forms H174fs, H61fs.
Identifiers: ClinVar variation 2907290 (VCV002907290.3), dbSNP rs782782722, ClinGen allele CA2586967193.
Genomic context (GRCh38, chr1:146,019,311, plus strand): 5'-AGTAGAGGCCAAGCTCCTTGGACACGGCATGTGTGAAAGTGATGGTGGAAGCTGCGCACA[T>TG]GGGGGTCCCCGAAGGAAGCGCAATGCAAGAACCCCGGGGGACGACCATGCAGCCGGGAAA-3'

ClinVar aggregate classification (germline): Pathogenic (1 of 4 stars; one submission).

Submission:

Labcorp Genetics (formerly Invitae), Labcorp
Classification: Pathogenic. Last evaluated: 2023-10-27. Review status: criteria provided, single submitter. Criteria: Invitae Variant Classification Sherloc (09022015). Collection method: clinical testing. Allele origin: germline.
Comment: This sequence change creates a premature translational stop signal (p.His174Profs*23) in the HJV gene. It is expected to result in an absent or disrupted protein product. Loss-of-function variants in HJV are known to be pathogenic (PMID: 20301349, 22408404). This variant is not present in population databases (gnomAD no frequency). This premature translational stop signal has been observed in individual(s) with hereditary hemochromatosis (PMID: 21848699). This variant is also known as c.515_6insC (p.D172fsX196). For these reasons, this variant has been classified as Pathogenic.

Literature cited by the submitters: PubMed 20301349; PubMed 22408404; PubMed 21848699.